The following is an entry in ClinVar:

ClinVar aggregate classification (germline): Uncertain significance (1 of 4 stars; one submission).

gnomAD v4.1: 6 of 1,611,968 alleles (0.00037%); highest among the groups gnomAD compares: Non-Finnish European, 0.00051%; no homozygotes.

Submission:

Labcorp Genetics (formerly Invitae), Labcorp
Classification: Uncertain significance. Last evaluated: 2024-11-10. Review status: criteria provided, single submitter. Criteria: Invitae Variant Classification Sherloc (09022015). Collection method: clinical testing. Allele origin: germline.
Comment: This sequence change replaces isoleucine, which is neutral and non-polar, with valine, which is neutral and non-polar, at codon 282 of the PDE8B protein (p.Ile282Val). This variant is present in population databases (rs752717678, gnomAD 0.0009%). This variant has not been reported in the literature in individuals affected with PDE8B-related conditions. An algorithm developed to predict the effect of missense changes on protein structure and function (PolyPhen-2) suggests that this variant is likely to be tolerated. In summary, the available evidence is currently insufficient to determine the role of this variant in disease. Therefore, it has been classified as a Variant of Uncertain Significance.

NM_003719.5(PDE8B):c.844A>G (p.Ile282Val)

Gene: PDE8B (phosphodiesterase 8B; plus strand). Cytogenetic location: 5q13.3.
Variant type: single nucleotide variant.
Coding change: c.844A>G on transcript NM_003719.5 (MANE Select); coding-DNA position 844, A replaced by G.
Protein change: p.Ile282Val; replaces isoleucine 282 with valine.
Molecular consequence: missense variant.
Genome position (GRCh38, 1-based): chr5:77,344,899, A>G. VCF-style: chr5-77344899-A-G. GRCh37 (hg19) VCF-style: chr5-76640724-A-G.
Other names: c.844A>G, p.Ile282Val (NM_001029851.4, NM_001029852.4, NM_001029854.4 and 2 more transcripts); c.784A>G, p.Ile262Val (NM_001029853.4); c.841A>G, p.Ile281Val (NM_001349748.3, NM_001349751.3, NM_001376065.1); c.907A>G, p.Ile303Val (NM_001349749.3); c.604A>G, p.Ile202Val (NM_001349750.3); c.538A>G, p.Ile180Val (NM_001349752.3, NM_001376071.1); c.472A>G, p.Ile158Val (NM_001349753.2, NM_001376075.1, NM_001414622.1 and 3 more transcripts); c.541A>G, p.Ile181Val (NM_001376062.1, NM_001376070.1, NM_001376072.1 and 1 more transcripts); and 2 more; short protein forms I201V, I303V, I158V, I202V, I262V, I181V, I281V, I282V.
Identifiers: ClinVar variation 3681937 (VCV003681937.2).
Genomic context (GRCh38, chr5:77,344,899, plus strand): 5'-TTTATAACTTTCAGGGCCTGTAATTCAGTGTTTACAGCATTAGATCACTGTCATGAAGCC[A>G]TAGAAATAACAAGCGATGACCACGTGATTCAGGTATGGAAAGAAACCACCTCTATCATTA-3'
Protein context (NP_003710.1, residues 272-292): FTALDHCHEA[Ile282Val]EITSDDHVIQ